The following is an entry in ClinVar:

ClinVar aggregate classification (germline): Likely benign. Review status: criteria provided, single submitter (1 of 4 stars). 2 submissions from 2 submitters: Likely benign (1). 1 of the submissions does not count toward it. Last evaluated 2026-08-01.

Conditions:
CIDEC-related disorder. Also called: CIDEC-related condition.

Allele frequency attached by ClinVar (database versions not stated): 1000 Genomes Project 30x 0.00390; 1000 Genomes Project 0.00399; gnomAD 0.00614; TOPMed 0.00690; gnomAD exomes 0.00714; ExAC 0.00758.
gnomAD v4.1: 10,877 of 1,543,438 alleles (0.7%); highest among the groups gnomAD compares: Middle Eastern, 2%; 50 homozygotes.

Submissions (2):

CeGaT Center for Human Genetics Tuebingen
Classification: Likely benign. Last evaluated: 2026-08-01. Review status: criteria provided, single submitter. Criteria: CeGaT Center For Human Genetics Tuebingen Variant Classification Criteria Version 2. Collection method: clinical testing. Allele origin: germline. Affected: yes. Observed: 2 variant alleles.
Comment: CIDEC: BP4, BS2

PreventionGenetics, part of Exact Sciences
Classification: Benign for CIDEC-related condition. Last evaluated: 2024-01-30. Review status: no assertion criteria provided. Collection method: clinical testing. Allele origin: germline. Not counted in ClinVar's aggregate classification.
Comment: This variant is classified as benign based on ACMG/AMP sequence variant interpretation guidelines (Richards et al. 2015 PMID: 25741868, with internal and published modifications).

NM_001321142.2(CIDEC):c.208-143C>A

Gene: CIDEC (cell death inducing DFFA like effector c; minus strand). Cytogenetic location: 3p25.3.
Variant type: single nucleotide variant.
Coding change: c.208-143C>A on transcript NM_001321142.2 (MANE Select); 143 bases into the intron before coding-DNA position 208, C replaced by A.
Molecular consequence: intron variant. On other transcripts: missense variant (1).
Genome position (GRCh38, 1-based): chr3:9,870,465, G>T on the plus strand (C>A on the coding strand, the complement: CIDEC is on the minus strand). VCF-style: chr3-9870465-G-T. GRCh37 (hg19) VCF-style: chr3-9912149-G-T.
Other names: c.217C>A (NM_001199551.1); c.217C>A, p.Pro73Thr (NM_001199551.2); c.208-143C>A (NM_022094.3, NM_001199552.2, NM_001378491.1); c.-15-143C>A (NM_001321144.2, NM_001321143.2); c.247-143C>A (NM_001199623.2); short protein forms P73T.
Identifiers: ClinVar variation 2653503 (VCV002653503.25), dbSNP rs140125102, ClinGen allele CA2245693.